The following is an entry in ClinVar:

ClinVar aggregate classification (germline): Uncertain significance (1 of 4 stars; one submission).

Conditions:
Progressive myoclonic epilepsy type 3. Also called: KCTD7-Related Progressive Myoclonic Epilepsy; EPILEPSY, PROGRESSIVE MYOCLONIC, 3, WITH OR WITHOUT INTRACELLULAR INCLUSIONS; CEROID LIPOFUSCINOSIS, NEURONAL, 14; EPILEPSY, PROGRESSIVE MYOCLONIC, 3, WITHOUT INTRACELLULAR INCLUSIONS. Identifiers: Orphanet 263516, MedGen C2673257, MONDO:0012721, OMIM 611726.

Allele frequency attached by ClinVar (database versions not stated): ExAC 0.00001; TOPMed 0.00002; gnomAD 0.00003; 1000 Genomes Project 0.00020; 1000 Genomes Project 30x 0.00031.
gnomAD v4.1: 9 of 1,614,022 alleles (0.00056%); highest among the groups gnomAD compares: African/African-American, 0.0093%; no homozygotes.

Submission:

Labcorp Genetics (formerly Invitae), Labcorp
Classification: Uncertain significance for Progressive myoclonic epilepsy type 3. Last evaluated: 2023-11-27. Review status: criteria provided, single submitter. Criteria: Invitae Variant Classification Sherloc (09022015). Collection method: clinical testing. Allele origin: germline.
Comment: This sequence change replaces methionine, which is neutral and non-polar, with valine, which is neutral and non-polar, at codon 76 of the KCTD7 protein (p.Met76Val). This variant is present in population databases (rs200569899, gnomAD 0.008%). This variant has not been reported in the literature in individuals affected with KCTD7-related conditions. ClinVar contains an entry for this variant (Variation ID: 1008485). Advanced modeling of protein sequence and biophysical properties (such as structural, functional, and spatial information, amino acid conservation, physicochemical variation, residue mobility, and thermodynamic stability) performed at Invitae indicates that this missense variant is not expected to disrupt KCTD7 protein function with a negative predictive value of 80%. In summary, the available evidence is currently insufficient to determine the role of this variant in disease. Therefore, it has been classified as a Variant of Uncertain Significance.

NM_153033.5(KCTD7):c.226A>G (p.Met76Val)

Gene: KCTD7 (potassium channel tetramerization domain containing 7; plus strand). Cytogenetic location: 7q11.21.
Variant type: single nucleotide variant.
Coding change: c.226A>G on transcript NM_153033.5 (MANE Select); coding-DNA position 226, A replaced by G.
Protein change: p.Met76Val; replaces methionine 76 with valine.
Molecular consequence: missense variant.
Genome position (GRCh38, 1-based): chr7:66,633,356, A>G. VCF-style: chr7-66633356-A-G. GRCh37 (hg19) VCF-style: chr7-66098343-A-G.
Other names: c.226A>G, p.Met76Val (NM_001167961.2); short protein forms M76V.
Identifiers: ClinVar variation 1008485 (VCV001008485.7), dbSNP rs200569899, ClinGen allele CA4278205.
Genomic context (GRCh38, chr7:66,633,356, plus strand): 5'-AACATCGGAGGGGCTCACTTCACTACACGCCTGTCCACACTGCGGTGCTACGAAGACACC[A>G]TGTTGGCAGCCATGTTCAGTGGGCGGCACTACATCCCCACGGACTCCGAGGGCCGGTACT-3'
Protein context (NP_694578.1, residues 66-86): LSTLRCYEDT[Met76Val]LAAMFSGRHY